The following is an entry in ClinVar:

NM_001100913.3(PACS2):c.1709T>C (p.Leu570Pro)

Gene: PACS2 (phosphofurin acidic cluster sorting protein 2; plus strand). Cytogenetic location: 14q32.33.
Variant type: single nucleotide variant.
Coding change: c.1709T>C on transcript NM_001100913.3 (MANE Select); coding-DNA position 1709, T replaced by C.
Protein change: p.Leu570Pro; replaces leucine 570 with proline.
Molecular consequence: missense variant.
Genome position (GRCh38, 1-based): chr14:105,383,442, T>C. VCF-style: chr14-105383442-T-C. GRCh37 (hg19) VCF-style: chr14-105849779-T-C.
Other names: c.1472T>C, p.Leu491Pro (NM_001243127.3); c.1697T>C, p.Leu566Pro (NM_015197.4); short protein forms L491P, L566P, L570P.
Identifiers: ClinVar variation 5021067 (VCV005021067.1).
Genomic context (GRCh38, chr14:105,383,442, plus strand): 5'-CGACCCCCGTGAAGATCGCCGTGGCGGGAGCGCAGCATTACCTCAGTGCCATCCTGCGGC[T>C]CTTTGTGGAGCAGCTGTCCCACAAGACACCCGACTGGCTCGGCTACATGCGCTTCCTGGT-3'
Protein context (NP_001094383.2, residues 560-580): AQHYLSAILR[Leu570Pro]FVEQLSHKTP

ClinVar aggregate classification (germline): Uncertain significance (1 of 4 stars; one submission).

Submission:

Dasa
Classification: Uncertain significance. Last evaluated: 2024-10-14. Review status: criteria provided, single submitter. Criteria: DASA Assertion Criteria. Collection method: clinical testing. Allele origin: germline.
Comment: NM_001100913.3(PACS2):c.1709T>C (p.Leu570Pro) is a missense variant that results in the substitution of leucine with proline. This variant is absent from population databases. Computational prediction algorithms are consistent with a benign effect. The currently available literature and clinical evidence are not sufficient to establish a definitive association between this variant and the reported condition. Therefore, this variant is classified as a variant of uncertain significance.